The following is an entry in ClinVar:

ClinVar aggregate classification (germline): Pathogenic (1 of 4 stars; one submission).

Conditions:
Cardiovascular phenotype. Identifiers: MedGen CN230736.
Hereditary cancer-predisposing syndrome. Also called: Neoplastic Syndromes, Hereditary; Tumor predisposition; Hereditary Cancer Syndrome; Hereditary neoplastic syndrome. Identifiers: Orphanet 140162, MedGen C0027672, MeSH D009386, MONDO:0015356.

Submission:

Ambry Genetics
Classification: Pathogenic for Cardiovascular phenotype; Hereditary cancer-predisposing syndrome. Last evaluated: 2026-04-21. Review status: criteria provided, single submitter. Criteria: Ambry Variant Classification Scheme 2023. Collection method: clinical testing. Allele origin: germline.
Comment: The c.296delA pathogenic mutation, located in coding exon 4 of the NF1 gene, results from a deletion of one nucleotide at nucleotide position 296, causing a translational frameshift with a predicted alternate stop codon (p.K99Rfs*4). This variant was reported in individual(s) with features consistent with neurofibromatosis type 1 (Pasmant E et al. Eur J Hum Genet, 2015 May;23:596-601; Chen L et al. Mol Genet Genomic Med, 2019 Sep;7:e904; Ambry internal data). This variant is considered to be rare based on population cohorts in the Genome Aggregation Database (gnomAD). This alteration is expected to result in loss of function by premature protein truncation or nonsense-mediated mRNA decay. As such, this alteration is interpreted as a disease-causing mutation.

Literature cited by the submitters: PubMed 25074460; PubMed 31347283.

NM_001042492.3(NF1):c.296del (p.Lys99fs)

Gene: NF1 (neurofibromin 1; plus strand). Cytogenetic location: 17q11.2.
Variant type: Deletion.
Coding change: c.296del on transcript NM_001042492.3 (MANE Select); coding-DNA position 296, one base deleted (A; older notation c.296delA).
Protein change: p.Lys99fs; shifts the reading frame from lysine 99.
Molecular consequence: frameshift variant.
Genome position (GRCh38, 1-based): chr17:31,163,193, A deleted; the last of 3 consecutive A bases (chr17:31,163,191-31,163,193); deleting any one gives the same sequence. VCF-style (leftmost placement, unchanged base first): chr17-31163190-CA-C. GRCh37 (hg19) VCF-style: chr17-29490208-CA-C.
Other names: c.296del, p.Lys99fs (NM_001128147.3, NM_000267.4); short protein forms K99fs.
Identifiers: ClinVar variation 4860847 (VCV004860847.1).